The following is an entry in ClinVar:

NM_000168.6(GLI3):c.2827A>C (p.Thr943Pro)

Gene: GLI3 (GLI family zinc finger 3; minus strand). Cytogenetic location: 7p14.1.
Variant type: single nucleotide variant.
Coding change: c.2827A>C on transcript NM_000168.6 (MANE Select); coding-DNA position 2827, A replaced by C.
Protein change: p.Thr943Pro; replaces threonine 943 with proline.
Molecular consequence: missense variant.
Genome position (GRCh38, 1-based): chr7:41,966,246, T>G on the plus strand (A>C on the coding strand, the complement: GLI3 is on the minus strand). VCF-style: chr7-41966246-T-G. GRCh37 (hg19) VCF-style: chr7-42005844-T-G.
Other names: short protein forms T943P.
Identifiers: ClinVar variation 4759217 (VCV004759217.1).

ClinVar aggregate classification (germline): Likely benign (1 of 4 stars; one submission).

Conditions:
Polydactyly, postaxial, type A1. Identifiers: MedGen C4282400, MONDO:0008266, OMIM 174200.

gnomAD v4.1: 1 of 1,608,332 alleles (0.000062%); highest among the groups gnomAD compares: Non-Finnish European, 0.000085%; no homozygotes.

Submission:

Centre for Medical Genetics,  Mumbai
Classification: Likely benign for Polydactyly, postaxial, type A1. Last evaluated: 2026-02-09. Review status: criteria provided, single submitter. Criteria: ACMG Guidelines, 2015. Collection method: provider interpretation. Allele origin: germline. Inheritance: Autosomal dominant inheritance. Affected: no. Observed: 1 heterozygote.
Comment: The variant satisfies PM2 criteria; Extremely low frequency in gnomAD population databases. The variant satisfies PP3 criteria; For a missense or a splicing region variant, computational prediction tools unanimously support a deleterious effect on the gene. However, the variant satisfies BS2 criteria.

Literature cited by the submitters: PubMed 9042919.